The following is an entry in ClinVar:

NM_003737.4(DCHS1):c.2538G>C (p.Leu846Phe)

Gene: DCHS1 (dachsous cadherin-related 1; minus strand). Cytogenetic location: 11p15.4.
Variant type: single nucleotide variant.
Coding change: c.2538G>C on transcript NM_003737.4 (MANE Select); coding-DNA position 2538, G replaced by C.
Protein change: p.Leu846Phe; replaces leucine 846 with phenylalanine.
Molecular consequence: missense variant.
Genome position (GRCh38, 1-based): chr11:6,632,974, C>G on the plus strand (G>C on the coding strand, the complement: DCHS1 is on the minus strand). VCF-style: chr11-6632974-C-G. GRCh37 (hg19) VCF-style: chr11-6654205-C-G.
Other names: c.2538G>C (NM_003737.2); short protein forms L846F.
Identifiers: ClinVar variation 2580508 (VCV002580508.2), dbSNP rs1418159780, ClinGen allele CA379420951.
Genomic context (GRCh38, chr11:6,632,974, plus strand): 5'-TCGCACCTCCAGCTCCAACACTGGTCCCAGTAGCTCCCGGTCCAGAGGGCGAAGTGTTTG[C>G]AACAGTCCTGATACCGCATCTAGGGAGAAGAGTCCTCGGGGATCCCCACCTGATAGGGAA-3'
Protein context (NP_003728.1, residues 836-856): LFSLDAVSGL[Leu846Phe]QTLRPLDREL

ClinVar aggregate classification (germline): Uncertain significance. Review status: criteria provided, multiple submitters, no conflicts (2 of 4 stars). 2 submissions from 2 submitters: Uncertain significance (2). Last evaluated 2025-08-07.

Conditions:
Inborn genetic diseases. Identifiers: MedGen C0950123, MeSH D030342.

Allele frequency attached by ClinVar (database versions not stated): gnomAD exomes 0.00001.
gnomAD v4.1: 3 of 1,614,018 alleles (0.00019%); highest among the groups gnomAD compares: East Asian, 0.0067%; no homozygotes.

Submissions (2):

Ambry Genetics
Classification: Uncertain significance for Inborn genetic diseases. Last evaluated: 2025-08-07. Review status: criteria provided, single submitter. Criteria: Ambry Variant Classification Scheme 2023. Collection method: clinical testing. Allele origin: germline.

GeneDx
Classification: Uncertain significance. Last evaluated: 2023-03-21. Review status: criteria provided, single submitter. Criteria: GeneDx Variant Classification Process June 2021. Collection method: clinical testing. Allele origin: germline. Affected: yes.
Comment: In silico analysis supports that this missense variant has a deleterious effect on protein structure/function; Has not been previously published as pathogenic or benign to our knowledge